The following is an entry in ClinVar:

ClinVar aggregate classification (germline): Uncertain significance (1 of 4 stars; one submission).

gnomAD v4.1: 4 of 1,614,006 alleles (0.00025%); highest among the groups gnomAD compares: Admixed American, 0.0017%; no homozygotes.

Submission:

Labcorp Genetics (formerly Invitae), Labcorp
Classification: Uncertain significance. Last evaluated: 2025-03-04. Review status: criteria provided, single submitter. Criteria: Invitae Variant Classification Sherloc (09022015). Collection method: clinical testing. Allele origin: germline.
Comment: This sequence change replaces serine, which is neutral and polar, with leucine, which is neutral and non-polar, at codon 1107 of the TET2 protein (p.Ser1107Leu). This variant is not present in population databases (gnomAD no frequency). This variant has not been reported in the literature in individuals affected with TET2-related conditions. An algorithm developed to predict the effect of missense changes on protein structure and function (PolyPhen-2) suggests that this variant is likely to be disruptive. In summary, the available evidence is currently insufficient to determine the role of this variant in disease. Therefore, it has been classified as a Variant of Uncertain Significance.

NM_001127208.3(TET2):c.3320C>T (p.Ser1107Leu)

Genes: TET2-AS1 (TET2 antisense RNA 1; minus strand), TET2 (tet methylcytosine dioxygenase 2; plus strand). Cytogenetic location: 4q24.
Variant type: single nucleotide variant.
Coding change: c.3320C>T on transcript NM_001127208.3 (MANE Select); coding-DNA position 3320, C replaced by T.
Protein change: p.Ser1107Leu; replaces serine 1107 with leucine.
Molecular consequence: missense variant.
Genome position (GRCh38, 1-based): chr4:105,237,262, C>T. VCF-style: chr4-105237262-C-T. GRCh37 (hg19) VCF-style: chr4-106158419-C-T.
Other names: c.3320C>T, p.Ser1107Leu (NM_017628.4); short protein forms S1107L.
Identifiers: ClinVar variation 4699345 (VCV004699345.1).